The following is an entry in ClinVar:

ClinVar aggregate classification (germline): Uncertain significance. Review status: criteria provided, multiple submitters, no conflicts (2 of 4 stars). 2 submissions from 2 submitters: Uncertain significance (2). Last evaluated 2024-01-23.

Conditions:
Juvenile myelomonocytic leukemia (JMML). Also called: LEUKEMIA, JUVENILE MYELOMONOCYTIC, SOMATIC. Identifiers: Orphanet 86834, MedGen C0349639, MONDO:0011908, OMIM 607785, HP:0012209.
Neurofibromatosis, type 1 (NF1). Also called: NEUROFIBROMATOSIS, TYPE I, SOMATIC; Peripheral type neurofibromatosis; Neurofibromatosis, type I; VON RECKLINGHAUSEN DISEASE. Identifiers: Orphanet 636, MedGen C0027831, MONDO:0018975, OMIM 162200. Disease mechanism: loss of function.

Submissions (2):

Baylor Genetics
Classification: Uncertain significance for Juvenile myelomonocytic leukemia. Last evaluated: 2024-01-23. Review status: criteria provided, single submitter. Criteria: ACMG Guidelines, 2015. Collection method: clinical testing. Allele origin: unknown.

Labcorp Genetics (formerly Invitae), Labcorp
Classification: Uncertain significance for Neurofibromatosis, type 1. Last evaluated: 2023-07-17. Review status: criteria provided, single submitter. Criteria: Invitae Variant Classification Sherloc (09022015). Collection method: clinical testing. Allele origin: germline.
Comment: In summary, the available evidence is currently insufficient to determine the role of this variant in disease. Therefore, it has been classified as a Variant of Uncertain Significance. Advanced modeling of protein sequence and biophysical properties (such as structural, functional, and spatial information, amino acid conservation, physicochemical variation, residue mobility, and thermodynamic stability) has been performed at Invitae for this missense variant, however the output from this modeling did not meet the statistical confidence thresholds required to predict the impact of this variant on NF1 protein function. ClinVar contains an entry for this variant (Variation ID: 1399125). This variant has not been reported in the literature in individuals affected with NF1-related conditions. This variant is not present in population databases (gnomAD no frequency). This sequence change replaces threonine, which is neutral and polar, with serine, which is neutral and polar, at codon 1627 of the NF1 protein (p.Thr1627Ser).

NM_001042492.3(NF1):c.4942A>T (p.Thr1648Ser)

Gene: NF1 (neurofibromin 1; plus strand). Cytogenetic location: 17q11.2.
Variant type: single nucleotide variant.
Coding change: c.4942A>T on transcript NM_001042492.3 (MANE Select); coding-DNA position 4942, A replaced by T.
Protein change: p.Thr1648Ser; replaces threonine 1648 with serine.
Molecular consequence: missense variant.
Genome position (GRCh38, 1-based): chr17:31,325,926, A>T. VCF-style: chr17-31325926-A-T. GRCh37 (hg19) VCF-style: chr17-29652944-A-T.
Other names: c.4879A>T, p.Thr1627Ser (NM_000267.4); short protein forms T1648S, T1627S.
Identifiers: ClinVar variation 1399125 (VCV001399125.7), dbSNP rs770558820, ClinGen allele CA399007160.